The following is an entry in ClinVar:

NM_000211.5(ITGB2):c.923C>T (p.Ala308Val)

Gene: ITGB2 (integrin subunit beta 2; minus strand). Cytogenetic location: 21q22.3.
Variant type: single nucleotide variant.
Coding change: c.923C>T on transcript NM_000211.5 (MANE Select); coding-DNA position 923, C replaced by T.
Protein change: p.Ala308Val; replaces alanine 308 with valine.
Molecular consequence: missense variant.
Genome position (GRCh38, 1-based): chr21:44,899,137, G>A on the plus strand (C>T on the coding strand, the complement: ITGB2 is on the minus strand). VCF-style: chr21-44899137-G-A. GRCh37 (hg19) VCF-style: chr21-46319052-G-A.
Other names: c.923C>T, p.Ala308Val (NM_001127491.3); c.716C>T, p.Ala239Val (NM_001303238.2); short protein forms A239V, A308V.
Identifiers: ClinVar variation 3604810 (VCV003604810.1).

ClinVar aggregate classification (germline): Uncertain significance (1 of 4 stars; one submission).

Conditions:
Leukocyte adhesion deficiency 1 (LAD1). Also called: LEUKOCYTE ADHESION DEFICIENCY, TYPE I; LAD 1; Lymphocyte function-associated antigen 1 immunodeficiency; LFA 1 immunodeficiency. Identifiers: Orphanet 2968, Orphanet 99842, MedGen C0398738, MONDO:0007293, OMIM 116920.

gnomAD v4.1: 12 of 1,613,860 alleles (0.00074%); highest among the groups gnomAD compares: African/African-American, 0.0067%; no homozygotes.

Submission:

Labcorp Genetics (formerly Invitae), Labcorp
Classification: Uncertain significance for Leukocyte adhesion deficiency 1. Last evaluated: 2024-05-02. Review status: criteria provided, single submitter. Criteria: Invitae Variant Classification Sherloc (09022015). Collection method: clinical testing. Allele origin: germline.
Comment: This sequence change replaces alanine, which is neutral and non-polar, with valine, which is neutral and non-polar, at codon 308 of the ITGB2 protein (p.Ala308Val). This variant is present in population databases (rs370342954, gnomAD 0.02%). This variant has not been reported in the literature in individuals affected with ITGB2-related conditions. Algorithms developed to predict the effect of missense changes on protein structure and function output the following: SIFT: "Not Available"; PolyPhen-2: "Benign"; Align-GVGD: "Not Available". The valine amino acid residue is found in multiple mammalian species, which suggests that this missense change does not adversely affect protein function. In summary, the available evidence is currently insufficient to determine the role of this variant in disease. Therefore, it has been classified as a Variant of Uncertain Significance.